The following is an entry in ClinVar:

NM_002485.5(NBN):c.2235-18C>T

Gene: NBN (nibrin; minus strand). Cytogenetic location: 8q21.3.
Variant type: single nucleotide variant.
Coding change: c.2235-18C>T on transcript NM_002485.5 (MANE Select); 18 bases into the intron before coding-DNA position 2235, C replaced by T.
Molecular consequence: intron variant.
Genome position (GRCh38, 1-based): chr8:89,935,630, G>A on the plus strand (C>T on the coding strand, the complement: NBN is on the minus strand). VCF-style: chr8-89935630-G-A. GRCh37 (hg19) VCF-style: chr8-90947858-G-A.
Other names: c.1989-18C>T (NM_001024688.3).
Identifiers: ClinVar variation 182710 (VCV000182710.11), dbSNP rs138106214, ClinGen allele CA299590.

ClinVar aggregate classification (germline): Benign/Likely benign. Review status: criteria provided, multiple submitters, no conflicts (2 of 4 stars). 3 submissions from 3 submitters: Benign (1); Likely benign (2). Last evaluated 2026-01-27.

Conditions:
Microcephaly, normal intelligence and immunodeficiency (NBS). Also called: IMMUNODEFICIENCY, MICROCEPHALY, AND CHROMOSOMAL INSTABILITY; SEEMANOVA SYNDROME II; Nijmegen breakage syndrome; Microcephaly with normal intelligence immunodeficiency and lymphoreticular malignancies; Nonsyndromal microcephaly autosomal recessive with normal intelligence; Seemanova syndrome 2. Identifiers: Orphanet 647, MedGen C0398791, MONDO:0009623, OMIM 251260.

Allele frequency attached by ClinVar (database versions not stated): gnomAD 0.00003 and 0.00011; TOPMed 0.00003; ExAC 0.00012; gnomAD exomes 0.00012 and 0.00029; 1000 Genomes Project 30x 0.00062; 1000 Genomes Project 0.00080.
gnomAD v4.1: 427 of 1,603,784 alleles (0.027%); highest among the groups gnomAD compares: East Asian, 0.95%; 2 homozygotes.

Submissions (3):

Labcorp Genetics (formerly Invitae), Labcorp
Classification: Likely benign for Microcephaly, normal intelligence and immunodeficiency. Last evaluated: 2026-01-27. Review status: criteria provided, single submitter. Criteria: Invitae Variant Classification Sherloc (09022015). Collection method: clinical testing. Allele origin: germline.

PreventionGenetics, part of Exact Sciences
Classification: Likely benign. Last evaluated: 2017-04-04. Review status: criteria provided, single submitter. Criteria: ACMG Guidelines, 2015. Collection method: clinical testing. Allele origin: germline.

GeneDx
Classification: Benign. Last evaluated: 2014-08-04. Review status: criteria provided, single submitter. Criteria: GeneDx Variant Classification (06012015). Collection method: clinical testing. Allele origin: germline. Affected: yes.
Comment: This variant is considered likely benign or benign based on one or more of the following criteria: it is a conservative change, it occurs at a poorly conserved position in the protein, it is predicted to be benign by multiple in silico algorithms, and/or has population frequency not consistent with disease.